The following is an entry in ClinVar:

ClinVar aggregate classification (germline): Likely pathogenic (1 of 4 stars; one submission).

Conditions:
Propionic acidemia (PROP). Also called: HYPERGLYCINEMIA WITH KETOACIDOSIS AND LEUKOPENIA; KETOTIC HYPERGLYCINEMIA; GLYCINEMIA, KETOTIC. Identifiers: Orphanet 35, MedGen C0268579, MONDO:0011628, OMIM 606054, HP:0003571.

Submission:

Women's Health and Genetics/Laboratory Corporation of America, LabCorp
Classification: Likely pathogenic for Propionic acidemia. Last evaluated: 2021-12-08. Review status: criteria provided, single submitter. Criteria: LabCorp Variant Classification Summary - May 2015. Collection method: clinical testing. Allele origin: germline.
Comment: Variant summary: The variant identified by MLPA or other technology involves the deletion of exon 18 in the PCCA gene. A presumed nomenclature of c.(1540+1_1541-1)_(1643+1_1644-1)del has been designated for the purposes of this classification. Although the exact breakpoints of this deletion are not known, it is expected to result in a frameshift in the PCCA gene, a known mechanism of disease. The variant was absent in 21694 control chromosomes (gnomAD structural variants dataset). The available data on variant occurrences in the general population are insufficient to allow any conclusion about variant significance. To our knowledge, no occurrence of c.(1540+1_1541-1)_(1643+1_1644-1)del in individuals affected with Propionic Acidemia and no experimental evidence demonstrating its impact on protein function have been reported. No clinical diagnostic laboratories have submitted clinical-significance assessments for this variant to ClinVar after 2014. Based on the evidence outlined above, the variant was classified as likely pathogenic.

NC_000013.10:g.(100982926_100992410)_(100992514_101020725)del

Gene: PCCA (propionyl-CoA carboxylase subunit alpha; plus strand). Cytogenetic location: 13q32.3.
Variant type: Deletion.
Identifiers: ClinVar variation 1331372 (VCV001331372.1).